The following is an entry in ClinVar:

ClinVar aggregate classification (germline): Benign/Likely benign. Review status: criteria provided, multiple submitters, no conflicts (2 of 4 stars). 4 submissions from 4 submitters: Benign (1); Likely benign (3). Last evaluated 2026-07-01.

Conditions:
Peroxisome biogenesis disorder 5A (Zellweger) (PBD5A). Identifiers: Orphanet 912, MedGen C3553940, MONDO:0013932, OMIM 614866.

Allele frequency attached by ClinVar (database versions not stated): gnomAD exomes 0.00039; ExAC 0.00050; 1000 Genomes Project 0.00080; 1000 Genomes Project 30x 0.00094; gnomAD 0.00157 and 0.00178; TOPMed 0.00188; ESP Exome Variant Server 0.00192.
gnomAD v4.1: 426 of 1,614,092 alleles (0.026%); highest among the groups gnomAD compares: African/African-American, 0.49%; no homozygotes.

Submissions (4):

CeGaT Center for Human Genetics Tuebingen
Classification: Likely benign. Last evaluated: 2026-07-01. Review status: criteria provided, single submitter. Criteria: CeGaT Center For Human Genetics Tuebingen Variant Classification Criteria Version 2. Collection method: clinical testing. Allele origin: germline. Affected: yes. Observed: 2 variant alleles.
Comment: PEX2: BP4, BP7

Labcorp Genetics (formerly Invitae), Labcorp
Classification: Benign for Peroxisome biogenesis disorder 5A (Zellweger). Last evaluated: 2026-01-27. Review status: criteria provided, single submitter. Criteria: Invitae Variant Classification Sherloc (09022015). Collection method: clinical testing. Allele origin: germline.

Blueprint Genetics
Classification: Likely benign. Last evaluated: 2023-03-08. Review status: criteria provided, single submitter. Criteria: ACMG Guidelines, 2015. Collection method: clinical testing. Allele origin: germline.

Eurofins Ntd Llc (ga)
Classification: Likely benign. Last evaluated: 2016-09-08. Review status: criteria provided, single submitter. Criteria: EGL Classification Definitions 2015. Collection method: clinical testing. Allele origin: germline. Observed: 1 variant allele, 1 heterozygote.

NM_000318.3(PEX2):c.477G>A (p.Gln159=)

Gene: PEX2 (peroxisomal biogenesis factor 2; minus strand). Cytogenetic location: 8q21.13.
Variant type: single nucleotide variant.
Coding change: c.477G>A on transcript NM_000318.3 (MANE Select); coding-DNA position 477, G replaced by A.
Protein change: p.Gln159=; no amino-acid change (glutamine 159 retained).
Molecular consequence: synonymous variant.
Genome position (GRCh38, 1-based): chr8:76,983,702, C>T on the plus strand (G>A on the coding strand, the complement: PEX2 is on the minus strand). VCF-style: chr8-76983702-C-T. GRCh37 (hg19) VCF-style: chr8-77895938-C-T.
Other names: c.477G>A, p.Gln159= (NM_001079867.2, NM_001172086.2, NM_001172087.2).
Identifiers: ClinVar variation 291153 (VCV000291153.40), dbSNP rs35218706, ClinGen allele CA4788702.
Genomic context (GRCh38, chr8:76,983,702, plus strand): 5'-CTTGCAAAATACAGAATGAATACCTAGGAGACGTTCTGTCAAAGTTGCAAACTTTCCCCT[C>T]TGAAGGAAAATCAAAAAATTAATCAGCCCACCTAATTTCAAAAGTCCAATCACAAAATTC-3'
Protein context (NP_000309.2, residues 149-169): GGLINFLIFL[Gln159=]RGKFATLTER